The following is an entry in ClinVar:

ClinVar aggregate classification (germline): Uncertain significance (1 of 4 stars; one submission).

Submission:

Labcorp Genetics (formerly Invitae), Labcorp
Classification: Uncertain significance. Last evaluated: 2022-01-03. Review status: criteria provided, single submitter. Criteria: Invitae Variant Classification Sherloc (09022015). Collection method: clinical testing. Allele origin: germline.
Comment: This sequence change replaces glutamic acid, which is acidic and polar, with lysine, which is basic and polar, at codon 323 of the PRPF31 protein (p.Glu323Lys). This variant is not present in population databases (gnomAD no frequency). This variant has not been reported in the literature in individuals affected with PRPF31-related conditions. Algorithms developed to predict the effect of missense changes on protein structure and function (SIFT, PolyPhen-2, Align-GVGD) all suggest that this variant is likely to be tolerated. In summary, the available evidence is currently insufficient to determine the role of this variant in disease. Therefore, it has been classified as a Variant of Uncertain Significance.

NM_015629.4(PRPF31):c.967G>A (p.Glu323Lys)

Gene: PRPF31 (pre-mRNA processing factor 31; plus strand). Cytogenetic location: 19q13.42.
Variant type: single nucleotide variant.
Coding change: c.967G>A on transcript NM_015629.4 (MANE Select); coding-DNA position 967, G replaced by A.
Protein change: p.Glu323Lys; replaces glutamic acid 323 with lysine.
Molecular consequence: missense variant.
Genome position (GRCh38, 1-based): chr19:54,128,094, G>A. VCF-style: chr19-54128094-G-A. GRCh37 (hg19) VCF-style: chr19-54631469-G-A.
Other names: short protein forms E323K.
Identifiers: ClinVar variation 2072528 (VCV002072528.4), dbSNP rs878853335, ClinGen allele CA407752907.